The following is an entry in ClinVar:

ClinVar aggregate classification (germline): Likely pathogenic (1 of 4 stars; one submission).

Submission:

GeneDx
Classification: Likely pathogenic. Last evaluated: 2017-12-06. Review status: criteria provided, single submitter. Criteria: GeneDx Variant Classification (06012015). Collection method: clinical testing. Allele origin: germline. Affected: yes.
Comment: The c.106_107delGT variant in the HESX1 gene has not been reported previously as a pathogenic variant nor as a benign variant, to our knowledge. The c.106_107delGT variant causes a frameshift starting with codon Valine 36, changes this amino acid to a Serine residue, and creates a premature Stop codon at position 21 of the new reading frame, denoted p.Val36SerfsX21. This variant is predicted to cause loss of normal protein function either through protein truncation or nonsense-mediated mRNA decay. The c.106_107delGT variant is not observed in large population cohorts (Lek et al., 2016). We interpret c.106_107delGT as a likely pathogenic variant.

NM_003865.3(HESX1):c.106_107del (p.Val36fs)

Gene: HESX1 (HESX homeobox 1; minus strand). Cytogenetic location: 3p14.3.
Variant type: Microsatellite.
Coding change: c.106_107del on transcript NM_003865.3 (MANE Select); coding-DNA positions 106 to 107, 2 bases deleted (GT; older notation c.106_107delGT).
Protein change: p.Val36fs; shifts the reading frame from valine 36.
Molecular consequence: frameshift variant.
Genome position (GRCh38, 1-based): chr3:57,199,812-57,199,813, AC deleted on the plus strand (GT on the coding strand, the reverse complement: HESX1 is on the minus strand); deleting any 2 consecutive bases within chr3:57,199,812-57,199,816 gives the same sequence; the c. name uses the placement nearest the transcript's 3' end. VCF-style (leftmost placement, unchanged base first): chr3-57199811-AAC-A. GRCh37 (hg19) VCF-style: chr3-57233839-AAC-A.
Other names: c.106_107del, p.Val36fs (NM_001376058.1, NM_001376059.1, NM_001376060.1 and 1 more transcripts); short protein forms V36fs.
Identifiers: ClinVar variation 503919 (VCV000503919.2), dbSNP rs1286347776, ClinGen allele CA658796339.
Genomic context (GRCh38, chr3:57,199,811, plus strand): 5'-CTGTGGCATACCTGATGAGCTGCAGGTGTCTGCCCAGGGCCTGTGGGGTTTCATTAATGG[AAC>A]ACAGTCTTTCTTCTGGTCCAGTCCTAAGATTCTCTCAATTGAAAAGGAGCAAGTTGAGGG-3'